The following is an entry in ClinVar:

NM_053025.4(MYLK):c.94G>A (p.Ala32Thr)

Gene: MYLK (myosin light chain kinase; minus strand). Cytogenetic location: 3q21.1.
Variant type: single nucleotide variant.
Coding change: c.94G>A on transcript NM_053025.4 (MANE Select); coding-DNA position 94, G replaced by A.
Protein change: p.Ala32Thr; replaces alanine 32 with threonine.
Molecular consequence: missense variant. On other transcripts: 5 prime UTR variant (1).
Genome position (GRCh38, 1-based): chr3:123,793,748, C>T on the plus strand (G>A on the coding strand, the complement: MYLK is on the minus strand). VCF-style: chr3-123793748-C-T. GRCh37 (hg19) VCF-style: chr3-123512595-C-T.
Other names: c.-227G>A (NM_001321309.2); c.94G>A, p.Ala32Thr (NM_053026.4, NM_053027.4, NM_053028.4); short protein forms A32T.
Identifiers: ClinVar variation 4687184 (VCV004687184.1).

ClinVar aggregate classification (germline): Uncertain significance (1 of 4 stars; one submission).

Submission:

Women's Health and Genetics/Laboratory Corporation of America, LabCorp
Classification: Uncertain significance. Last evaluated: 2025-10-20. Review status: criteria provided, single submitter. Criteria: LabCorp Variant Classification Summary - May 2015. Collection method: clinical testing. Allele origin: germline.
Comment: Variant summary: MYLK c.94G>A (p.Ala32Thr) results in a non-conservative amino acid change in the encoded protein sequence. Algorithms developed to predict the effect of missense changes on protein structure and function are either unavailable or do not agree on the potential impact of this missense change. The variant allele was found at a frequency of 8e-06 in 251374 control chromosomes. The available data on variant occurrences in the general population are insufficient to allow any conclusion about variant significance. c.94G>A has been observed in individual(s) affected with spontaneous coronary artery dissection (Antonutti_2021) without evidence for causality. These report(s) do not provide unequivocal conclusions about association of the variant with Aortopathy. To our knowledge, no experimental evidence demonstrating an impact on protein function has been reported. The following publication have been ascertained in the context of this evaluation (PMID: 33190788).No submitters have cited clinical-significance assessments for this variant to ClinVar. Based on the evidence outlined above, the variant was classified as uncertain significance.

Literature cited by the submitters: PubMed 33190788.